The following is an entry in ClinVar:

ClinVar aggregate classification (germline): Uncertain significance (1 of 4 stars; one submission).

Allele frequency attached by ClinVar (database versions not stated): gnomAD exomes below 0.00001.

Submission:

Labcorp Genetics (formerly Invitae), Labcorp
Classification: Uncertain significance. Last evaluated: 2022-07-06. Review status: criteria provided, single submitter. Criteria: Invitae Variant Classification Sherloc (09022015). Collection method: clinical testing. Allele origin: germline.
Comment: In summary, the available evidence is currently insufficient to determine the role of this variant in disease. Therefore, it has been classified as a Variant of Uncertain Significance. Algorithms developed to predict the effect of missense changes on protein structure and function (SIFT, PolyPhen-2, Align-GVGD) all suggest that this variant is likely to be disruptive. This variant has not been reported in the literature in individuals affected with MRPS16-related conditions. This variant is not present in population databases (gnomAD no frequency). This sequence change replaces lysine, which is basic and polar, with asparagine, which is neutral and polar, at codon 64 of the MRPS16 protein (p.Lys64Asn).

NM_016065.4(MRPS16):c.192A>C (p.Lys64Asn)

Genes: DNAJC9-AS1 (DNAJC9 and MRPS16 antisense RNA 1; plus strand), MRPS16 (mitochondrial ribosomal protein S16; minus strand). Cytogenetic location: 10q22.2.
Variant type: single nucleotide variant.
Coding change: c.192A>C on transcript NM_016065.4 (MANE Select); coding-DNA position 192, A replaced by C.
Protein change: p.Lys64Asn; replaces lysine 64 with asparagine.
Molecular consequence: missense variant.
Genome position (GRCh38, 1-based): chr10:73,251,845, T>G on the plus strand (A>C on the coding strand, the complement: MRPS16 is on the minus strand). VCF-style: chr10-73251845-T-G. GRCh37 (hg19) VCF-style: chr10-75011603-T-G.
Other names: c.192A>C, p.Lys64Asn (NM_001410935.1); short protein forms K64N.
Identifiers: ClinVar variation 1971809 (VCV001971809.5), dbSNP rs1589211230, ClinGen allele CA377193048.